The following is an entry in ClinVar:

NM_001164508.2(NEB):c.1580A>G (p.Lys527Arg)

Gene: NEB (nebulin; minus strand). Cytogenetic location: 2q23.3.
Variant type: single nucleotide variant.
Coding change: c.1580A>G on transcript NM_001164508.2 (MANE Select); coding-DNA position 1580, A replaced by G.
Protein change: p.Lys527Arg; replaces lysine 527 with arginine.
Molecular consequence: missense variant.
Genome position (GRCh38, 1-based): chr2:151,695,672, T>C on the plus strand (A>G on the coding strand, the complement: NEB is on the minus strand). VCF-style: chr2-151695672-T-C. GRCh37 (hg19) VCF-style: chr2-152552186-T-C.
Other names: c.1580A>G, p.Lys527Arg (NM_001164507.2, NM_001271208.2, NM_004543.5); short protein forms K527R.
Identifiers: ClinVar variation 1023328 (VCV001023328.22), dbSNP rs773132178, ClinGen allele CA1911511.

ClinVar aggregate classification (germline): Uncertain significance. Review status: criteria provided, multiple submitters, no conflicts (2 of 4 stars). 2 submissions from 2 submitters: Uncertain significance (2). Last evaluated 2024-07-01.

Conditions:
Nemaline myopathy 2 (NEM2). Also called: Nemaline myopathy 2, autosomal recessive. Identifiers: MedGen C1850569, MONDO:0009725, OMIM 256030.

Allele frequency attached by ClinVar (database versions not stated): gnomAD exomes below 0.00001 and 0.00001; ExAC 0.00001.
gnomAD v4.1: 15 of 1,612,772 alleles (0.00093%); highest among the groups gnomAD compares: Non-Finnish European, 0.0012%; no homozygotes.

Submissions (2):

CeGaT Center for Human Genetics Tuebingen
Classification: Uncertain significance. Last evaluated: 2024-07-01. Review status: criteria provided, single submitter. Criteria: CeGaT Center For Human Genetics Tuebingen Variant Classification Criteria Version 2. Collection method: clinical testing. Allele origin: germline. Affected: yes. Observed: 1 variant allele.
Comment: NEB: PM2

Labcorp Genetics (formerly Invitae), Labcorp
Classification: Uncertain significance for Nemaline myopathy 2. Last evaluated: 2021-08-31. Review status: criteria provided, single submitter. Criteria: Invitae Variant Classification Sherloc (09022015). Collection method: clinical testing. Allele origin: germline.
Comment: This sequence change replaces lysine with arginine at codon 527 of the NEB protein (p.Lys527Arg). The lysine residue is moderately conserved and there is a small physicochemical difference between lysine and arginine. This variant is present in population databases (rs773132178, ExAC 0.007%). This variant has not been reported in the literature in individuals affected with NEB-related conditions. Algorithms developed to predict the effect of missense changes on protein structure and function are either unavailable or do not agree on the potential impact of this missense change (SIFT: "Tolerated"; PolyPhen-2: "Not Available"; Align-GVGD: "Class C0"). Algorithms developed to predict the effect of sequence changes on RNA splicing suggest that this variant may create or strengthen a splice site. In summary, the available evidence is currently insufficient to determine the role of this variant in disease. Therefore, it has been classified as a Variant of Uncertain Significance.